The following is an entry in ClinVar:

NM_000463.3(UGT1A1):c.1389G>C (p.Glu463Asp)

Genes: UGT1A (UDP glucuronosyltransferase family 1 member A complex locus; plus strand), UGT1A1 (UDP glucuronosyltransferase family 1 member A1; plus strand), UGT1A10 (UDP glucuronosyltransferase family 1 member A10; plus strand), UGT1A3 (UDP glucuronosyltransferase family 1 member A3; plus strand), UGT1A4 (UDP glucuronosyltransferase family 1 member A4; plus strand) and 5 more. Cytogenetic location: 2q37.1.
Variant type: single nucleotide variant.
Coding change: c.1389G>C on transcript NM_000463.3 (MANE Select); coding-DNA position 1389, G replaced by C.
Protein change: p.Glu463Asp; replaces glutamic acid 463 with aspartic acid.
Molecular consequence: missense variant.
Genome position (GRCh38, 1-based): chr2:233,772,346, G>C. VCF-style: chr2-233772346-G-C. GRCh37 (hg19) VCF-style: chr2-234680992-G-C.
Other names: c.1380G>C, p.Glu460Asp (NM_019075.4, NM_019076.5, NM_019077.3 and 1 more transcripts); c.1392G>C, p.Glu464Asp (NM_019093.4, NM_019078.2, NM_007120.3); c.1386G>C, p.Glu462Asp (NM_001072.4); c.585G>C, p.Glu195Asp (NM_205862.3); short protein forms E462D, E464D, E195D, E463D, E460D.
Identifiers: ClinVar variation 2161778 (VCV002161778.6), dbSNP rs115944950, ClinGen allele CA2180113.
Genomic context (GRCh38, chr2:233,772,346, plus strand): 5'-CTCCAGCCTTCACAAGGACCGCCCGGTGGAGCCGCTGGACCTGGCCGTGTTCTGGGTGGA[G>C]TTTGTGATGAGGCACAAGGGCGCGCCACACCTGCGCCCCGCAGCCCACGACCTCACCTGG-3'
Protein context (NP_000454.1, residues 453-473): EPLDLAVFWV[Glu463Asp]FVMRHKGAPH

ClinVar aggregate classification (germline): Uncertain significance. Review status: criteria provided, multiple submitters, no conflicts (2 of 4 stars). 2 submissions from 2 submitters: Uncertain significance (2). Last evaluated 2023-05-09.

Conditions:
BILIRUBIN, SERUM LEVEL OF, QUANTITATIVE TRAIT LOCUS 1 (BILIQTL1). Identifiers: MedGen C1866173, OMIM 601816.
Gilbert syndrome. Also called: HYPERBILIRUBINEMIA I; HYPERBILIRUBINEMIA, ARIAS TYPE; HYPERBILIRUBINEMIA, GILBERT TYPE; Gilbert's syndrome; Gilbert Disease. Identifiers: MedGen C0017551, MONDO:0007745, OMIM 143500.
Crigler-Najjar syndrome type 1. Also called: HYPERBILIRUBINEMIA, CRIGLER-NAJJAR TYPE I. Identifiers: Orphanet 79234, MedGen C0010324, MONDO:0021020, OMIM 218800.
Crigler-Najjar syndrome, type II. Also called: Crigler Najjar syndrome, type 2; Mutation in the UDP-glucuronosyl-transferase gene; HYPERBILIRUBINEMIA, CRIGLER-NAJJAR TYPE II. Identifiers: Orphanet 205, Orphanet 79235, MedGen C2931132, MONDO:0011725, OMIM 606785.
Lucey-Driscoll syndrome (HBLRTFN). Also called: Transient familial neonatal hyperbilirubinemia. Identifiers: Orphanet 2312, MedGen C0270210, MONDO:0009383, OMIM 237900.

Allele frequency attached by ClinVar (database versions not stated): gnomAD 0.00001; ExAC 0.00003; TOPMed 0.00005.
gnomAD v4.1: 30 of 1,614,132 alleles (0.0019%); highest among the groups gnomAD compares: East Asian, 0.065%; no homozygotes.

Submissions (2):

Labcorp Genetics (formerly Invitae), Labcorp
Classification: Uncertain significance. Last evaluated: 2023-05-09. Review status: criteria provided, single submitter. Criteria: Invitae Variant Classification Sherloc (09022015). Collection method: clinical testing. Allele origin: germline.
Comment: In summary, the available evidence is currently insufficient to determine the role of this variant in disease. Therefore, it has been classified as a Variant of Uncertain Significance. Advanced modeling of protein sequence and biophysical properties (such as structural, functional, and spatial information, amino acid conservation, physicochemical variation, residue mobility, and thermodynamic stability) performed at Invitae indicates that this missense variant is not expected to disrupt UGT1A1 protein function. ClinVar contains an entry for this variant (Variation ID: 2161778). This variant has not been reported in the literature in individuals affected with UGT1A1-related conditions. This variant is present in population databases (rs115944950, gnomAD 0.06%). This sequence change replaces glutamic acid, which is acidic and polar, with aspartic acid, which is acidic and polar, at codon 463 of the UGT1A1 protein (p.Glu463Asp).

Juno Genomics, Hangzhou Juno Genomics, Inc
Classification: Uncertain significance for BILIRUBIN, SERUM LEVEL OF, QUANTITATIVE TRAIT LOCUS 1; Gilbert syndrome; Crigler-Najjar syndrome type 1; Crigler-Najjar syndrome, type II; Lucey-Driscoll syndrome. Review status: criteria provided, single submitter. Criteria: ACMG Guidelines, 2015. Collection method: clinical testing. Allele origin: germline.
Comment: Absent from controls (or at extremely low frequency if recessive) in Genome Aggregation Database.;Multiple lines of computational evidence support a deleterious effect on the gene or gene product.